The following is an entry in ClinVar:

NM_001320752.2(STS):c.1007C>T (p.Ser336Leu)

Gene: STS (steroid sulfatase; plus strand). Cytogenetic location: Xp22.31.
Variant type: single nucleotide variant.
Coding change: c.1007C>T on transcript NM_001320752.2 (MANE Select); coding-DNA position 1007, C replaced by T.
Protein change: p.Ser336Leu; replaces serine 336 with leucine.
Molecular consequence: missense variant.
Genome position (GRCh38, 1-based): chrX:7,305,109, C>T. VCF-style: chrX-7305109-C-T. GRCh37 (hg19) VCF-style: chrX-7223150-C-T.
Other names: S341L; c.1007C>T, p.Ser336Leu (NM_000351.7, NM_001320753.2, NM_001320754.2); c.1043C>T, p.Ser348Leu (NM_001320750.3, NM_001320751.2); short protein forms S336L, S348L.
Identifiers: ClinVar variation 10554 (VCV000010554.46), dbSNP rs137853167, ClinGen allele CA121122.
Genomic context (GRCh38, chrX:7,305,109, plus strand): 5'-AGATCTTGAACCTTCTGGATGAGCTGAGATTGGCTAATGATACCCTCATCTACTTCACAT[C>T]GGACCAGGGAGCACATGTAGAAGAAGTGTCTTCCAAAGGAGAAATTCATGGCGGAAGTAA-3'
Protein context (NP_001307681.2, residues 326-346): LANDTLIYFT[Ser336Leu]DQGAHVEEVS

ClinVar aggregate classification (germline): Conflicting classifications of pathogenicity. Review status: criteria provided, conflicting classifications (1 of 4 stars). 4 submissions from 4 submitters: Pathogenic (2); Uncertain significance (1). 1 of the submissions does not count toward it. Last evaluated 2024-08-13.

Conditions:
X-linked ichthyosis with steryl-sulfatase deficiency (XLI). Also called: Recessive X-linked ichthyosis; PLACENTAL STEROID SULFATASE DEFICIENCY; STEROID SULFATASE DEFICIENCY; STEROID SULFATASE DEFICIENCY DISEASE; STS DEFICIENCY; Ichthyosis, X-Linked. Identifiers: Orphanet 461, MedGen C0079588, MONDO:0010622, OMIM 308100.

Submissions (4):

Labcorp Genetics (formerly Invitae), Labcorp
Classification: Uncertain significance. Last evaluated: 2024-08-13. Review status: criteria provided, single submitter. Criteria: Invitae Variant Classification Sherloc (09022015). Collection method: clinical testing. Allele origin: germline.
Comment: This sequence change replaces serine, which is neutral and polar, with leucine, which is neutral and non-polar, at codon 341 of the STS protein (p.Ser341Leu). This variant is not present in population databases (gnomAD no frequency). This missense change has been observed in individual(s) with X-linked ichthyosis (PMID: 1539590). This variant is also known as substitution of a serine for a leucine at codon 1237. ClinVar contains an entry for this variant (Variation ID: 10554). An algorithm developed to predict the effect of missense changes on protein structure and function (PolyPhen-2) suggests that this variant is likely to be disruptive. Experimental studies have shown that this missense change affects STS function (PMID: 9252398). In summary, the available evidence is currently insufficient to determine the role of this variant in disease. Therefore, it has been classified as a Variant of Uncertain Significance.

GeneDx
Classification: Pathogenic. Last evaluated: 2022-06-08. Review status: criteria provided, single submitter. Criteria: GeneDx Variant Classification Process June 2021. Collection method: clinical testing. Allele origin: germline. Affected: yes.
Comment: Published functional studies demonstrate a damaging effect: absent enzyme activity (Alperin and Shapiro, 1997); Not observed at significant frequency in large population cohorts (gnomAD); This variant is associated with the following publications: (PMID: 1539590, 9252398)

CeGaT Center for Human Genetics Tuebingen
Classification: Pathogenic. Last evaluated: 2018-04-01. Review status: criteria provided, single submitter. Criteria: CeGaT Center For Human Genetics Tuebingen Variant Classification Criteria Version 2. Collection method: clinical testing. Allele origin: germline. Affected: yes. Observed: 1 variant allele.

OMIM
Classification: Pathogenic for ICHTHYOSIS, X-LINKED. Last evaluated: 1997-08-15. Review status: no assertion criteria provided. Collection method: literature only. Allele origin: germline. Not counted in ClinVar's aggregate classification.

Literature cited by the submitters: PubMed 1539590 (cited by Labcorp Genetics (formerly Invitae), Labcorp and OMIM); PubMed 9252398 (cited by Labcorp Genetics (formerly Invitae), Labcorp and OMIM); PubMed 3032454 (cited by OMIM); PubMed 2668275 (cited by OMIM).